The following is an entry in ClinVar:

ClinVar aggregate classification (germline): Likely pathogenic (1 of 4 stars; one submission).

Allele frequency attached by ClinVar (database versions not stated): TOPMed below 0.00001.
gnomAD v4.1: 1 of 1,613,920 alleles (0.000062%); no homozygotes.

Submission:

Athena Diagnostics
Classification: Likely pathogenic. Last evaluated: 2018-10-30. Review status: criteria provided, single submitter. Criteria: Athena Diagnostics Criteria. Collection method: clinical testing. Allele origin: germline.
Comment: The variant creates a premature nonsense codon, and is therefore predicted to significantly disrupt the protein structure. Not found in the total gnomAD dataset, and the data is high quality (0/281770 chr).

Literature cited by the submitters: PubMed 16736035; PubMed 24065355; PubMed 29768361.

NM_014846.4(WASHC5):c.1597C>T (p.Gln533Ter)

Gene: WASHC5 (WASH complex subunit 5; minus strand). Cytogenetic location: 8q24.13.
Variant type: single nucleotide variant.
Coding change: c.1597C>T on transcript NM_014846.4 (MANE Select); coding-DNA position 1597, C replaced by T.
Protein change: p.Gln533Ter; replaces glutamine 533 with a stop codon.
Molecular consequence: nonsense.
Genome position (GRCh38, 1-based): chr8:125,059,467, G>A on the plus strand (C>T on the coding strand, the complement: WASHC5 is on the minus strand). VCF-style: chr8-125059467-G-A. GRCh37 (hg19) VCF-style: chr8-126071709-G-A.
Other names: c.1153C>T, p.Gln385Ter (NM_001330609.2); short protein forms Q385*, Q533*.
Identifiers: ClinVar variation 805519 (VCV000805519.1), dbSNP rs1586362593, ClinGen allele CA372192224.